The following is an entry in ClinVar:

NM_005235.3(ERBB4):c.2491A>C (p.Met831Leu)

Gene: ERBB4 (erb-b2 receptor tyrosine kinase 4; minus strand). Cytogenetic location: 2q34.
Variant type: single nucleotide variant.
Coding change: c.2491A>C on transcript NM_005235.3 (MANE Select); coding-DNA position 2491, A replaced by C.
Protein change: p.Met831Leu; replaces methionine 831 with leucine.
Molecular consequence: missense variant.
Genome position (GRCh38, 1-based): chr2:211,431,097, T>G on the plus strand (A>C on the coding strand, the complement: ERBB4 is on the minus strand). VCF-style: chr2-211431097-T-G. GRCh37 (hg19) VCF-style: chr2-212295822-T-G.
Other names: c.2491A>C, p.Met831Leu (NM_001042599.2); c.2461A>C, p.Met821Leu (NM_001439005.1, NM_001439006.1); short protein forms M821L, M831L.
Identifiers: ClinVar variation 4250429 (VCV004250429.2).

ClinVar aggregate classification (germline): Uncertain significance. Review status: criteria provided, multiple submitters, no conflicts (2 of 4 stars). 2 submissions from 2 submitters: Uncertain significance (2). Last evaluated 2025-10-08.

Conditions:
Inborn genetic diseases. Identifiers: MedGen C0950123, MeSH D030342.

gnomAD v4.1: 9 of 1,613,142 alleles (0.00056%); highest among the groups gnomAD compares: Non-Finnish European, 0.00076%; no homozygotes.

Submissions (2):

Labcorp Genetics (formerly Invitae), Labcorp
Classification: Uncertain significance. Last evaluated: 2025-10-08. Review status: criteria provided, single submitter. Criteria: Invitae Variant Classification Sherloc (09022015). Collection method: clinical testing. Allele origin: germline.
Comment: This sequence change replaces methionine, which is neutral and non-polar, with leucine, which is neutral and non-polar, at codon 831 of the ERBB4 protein (p.Met831Leu). This variant is present in population databases (rs779543457, gnomAD 0.004%). This variant has not been reported in the literature in individuals affected with ERBB4-related conditions. Invitae Evidence Modeling of protein sequence and biophysical properties (such as structural, functional, and spatial information, amino acid conservation, physicochemical variation, residue mobility, and thermodynamic stability) indicates that this missense variant is expected to disrupt ERBB4 protein function with a positive predictive value of 80%. In summary, the available evidence is currently insufficient to determine the role of this variant in disease. Therefore, it has been classified as a Variant of Uncertain Significance.

Ambry Genetics
Classification: Uncertain significance for Inborn genetic diseases. Last evaluated: 2025-08-01. Review status: criteria provided, single submitter. Criteria: Ambry Variant Classification Scheme 2023. Collection method: clinical testing. Allele origin: germline.